The following is an entry in ClinVar:

ClinVar aggregate classification (germline): Uncertain significance (1 of 4 stars; one submission).

Conditions:
Familial thoracic aortic aneurysm and aortic dissection (TAAD). Also called: Thoracic aortic aneurysms and dissections. Identifiers: Orphanet 91387, MedGen C4707243, MONDO:0019625.

Allele frequency attached by ClinVar (database versions not stated): gnomAD exomes below 0.00001.
gnomAD v4.1: 1 of 1,613,714 alleles (0.000062%); highest among the groups gnomAD compares: South Asian, 0.0011%; no homozygotes.

Submission:

Color Diagnostics, LLC DBA Color Health
Classification: Uncertain significance for Familial thoracic aortic aneurysm and aortic dissection. Last evaluated: 2022-12-14. Review status: criteria provided, single submitter. Criteria: ACMG Guidelines, 2015. Collection method: clinical testing. Allele origin: germline.
Comment: This missense variant replaces glycine with alanine at codon 695 of the MYH11 protein. Computational prediction suggests that this variant may have deleterious impact on protein structure and function (internally defined REVEL score threshold >= 0.7, PMID: 27666373). To our knowledge, functional studies have not been reported for this variant. This variant has not been reported in individuals affected with MYH11-related disorders in the literature. This variant has not been identified in the general population by the Genome Aggregation Database (gnomAD). The available evidence is insufficient to determine the role of this variant in disease conclusively. Therefore, this variant is classified as a Variant of Uncertain Significance.

NM_002474.3(MYH11):c.2063G>C (p.Gly688Ala)

Gene: MYH11 (myosin heavy chain 11; minus strand). Cytogenetic location: 16p13.11.
Variant type: single nucleotide variant.
Coding change: c.2063G>C on transcript NM_002474.3 (MANE Select); coding-DNA position 2063, G replaced by C.
Protein change: p.Gly688Ala; replaces glycine 688 with alanine.
Molecular consequence: missense variant.
Genome position (GRCh38, 1-based): chr16:15,748,164, C>G on the plus strand (G>C on the coding strand, the complement: MYH11 is on the minus strand). VCF-style: chr16-15748164-C-G. GRCh37 (hg19) VCF-style: chr16-15842021-C-G.
Other names: c.2084G>C, p.Gly695Ala (NM_001040113.2, NM_001040114.2); c.2063G>C, p.Gly688Ala (NM_022844.3); short protein forms G688A, G695A.
Identifiers: ClinVar variation 2773849 (VCV002773849.2), dbSNP rs2506275195, ClinGen allele CA394868299.
Genomic context (GRCh38, chr16:15,748,164, plus strand): 5'-ATGCCTTCCAGCACCCCATTGCACCGCAGCTGCTCCAGCACCAGGAACGCATCCAGCTTG[C>G]CGGACTGCAAAGGTCAAAGAGGGCAGTGGATCCCTGGGGCCAGAAACCATGGCGCAGCAA-3'
Protein context (NP_002465.1, residues 678-698): CIIPNHEKRS[Gly688Ala]KLDAFLVLEQ